The following is an entry in ClinVar:

ClinVar aggregate classification (germline): Pathogenic/Likely pathogenic. Review status: criteria provided, multiple submitters, no conflicts (2 of 4 stars). 4 submissions from 4 submitters: Pathogenic (2); Likely pathogenic (2). Last evaluated 2026-09-08.

Conditions:
Fabry disease. Also called: Angiokeratoma corporis diffusum; Ceramide trihexosidosis; Fabry's disease; ALPHA-GALACTOSIDASE A DEFICIENCY; ANDERSON-FABRY DISEASE; CERAMIDE TRIHEXOSIDASE DEFICIENCY. Identifiers: Orphanet 324, MedGen C0002986, MONDO:0010526, OMIM 301500, HP:0001071. Disease mechanism: loss of function, Fabry disease is due to inactivating mutations in the X-linked GLA gene resulting in deficiency of the enzyme Alpha Galactosidase-A..

Submissions (4):

Genomenon, Inc
Classification: Pathogenic for Fabry disease. Last evaluated: 2026-09-08. Review status: criteria provided, single submitter. Criteria: Genomenon Sequence Variant Interpretation Standards - Updated. Collection method: curation. Allele origin: germline. Affected: yes.
Comment: GLA p.Cys202Arg (c.604T>C) is a missense variant that changes the amino acid at codon 202 from Cysteine to Arginine. This variant has been observed in at least one proband with clinical features consistent with Fabry disease (PMID:23430946;31020198). At least one functional study has demonstrated a substantial alteration in protein function relative to the wild-type (PMID:27657681). This variant is located in a mutational hotspot and/or important functional domain. It is absent or not present at a significant frequency in gnomAD. In silico models predict that this variant is possibly or probably damaging. In conclusion, we classify GLA p.Cys202Arg (c.604T>C) as a pathogenic variant.

Women's Health and Genetics/Laboratory Corporation of America, LabCorp
Classification: Likely pathogenic for Fabry disease. Last evaluated: 2024-07-17. Review status: criteria provided, single submitter. Criteria: LabCorp Variant Classification Summary - May 2015. Collection method: clinical testing. Allele origin: germline.
Comment: Variant summary: GLA c.604T>C (p.Cys202Arg) results in a non-conservative amino acid change in the encoded protein sequence. Five of five in-silico tools predict a damaging effect of the variant on protein function. The variant was absent in 181578 control chromosomes. c.604T>C has been reported in the literature in two individuals from a family affected with Fabry Disease and cardiac involvement , one of whom carried a second pathogenic variant in trans (Cheung_2012, McConnell_2018). These data indicate that the variant may be associated with disease. To our knowledge, no experimental evidence demonstrating an impact on protein function has been reported. Different variants affecting the same codon have been classified as pathogenic or likely pathogenic in ClinVar (c.605G>A p.Cys202Tyr and c.605G>C p.Cys202Ser), supporting the critical relevance of codon 202 to GLA protein function. The following publications have been ascertained in the context of this evaluation (PMID: 23430946, 31020198). ClinVar contains an entry for this variant (Variation ID: 633244). Based on the evidence outlined above, the variant was classified as likely pathogenic.

Labcorp Genetics (formerly Invitae), Labcorp
Classification: Pathogenic for Fabry disease. Last evaluated: 2022-06-20. Review status: criteria provided, single submitter. Criteria: Invitae Variant Classification Sherloc (09022015). Collection method: clinical testing. Allele origin: germline.
Comment: This sequence change replaces cysteine, which is neutral and slightly polar, with arginine, which is basic and polar, at codon 202 of the GLA protein (p.Cys202Arg). For these reasons, this variant has been classified as Pathogenic. This variant disrupts the p.Cys202 amino acid residue in GLA. Other variant(s) that disrupt this residue have been determined to be pathogenic (PMID: 9100224, 19387866, 23935525). This suggests that this residue is clinically significant, and that variants that disrupt this residue are likely to be disease-causing. Algorithms developed to predict the effect of missense changes on protein structure and function (SIFT, PolyPhen-2, Align-GVGD) all suggest that this variant is likely to be disruptive. ClinVar contains an entry for this variant (Variation ID: 633244). This missense change has been observed in individual(s) with Fabry disease (PMID: 31020198). In at least one individual the data is consistent with being in trans (on the opposite chromosome) from a pathogenic variant. This variant is not present in population databases (gnomAD no frequency).

Genome-Nilou Lab
Classification: Likely pathogenic for Fabry disease. Last evaluated: 2021-07-15. Review status: criteria provided, single submitter. Criteria: ACMG Guidelines, 2015. Collection method: clinical testing. Allele origin: germline. Affected: no.

Literature cited by the submitters: PubMed 23430946 (cited by Genomenon, Inc and Women's Health and Genetics/Laboratory Corporation of America, LabCorp); PubMed 31020198 (cited by 3 submitters); PubMed 27657681 (cited by Genomenon, Inc); PubMed 9100224 (cited by Labcorp Genetics (formerly Invitae), Labcorp); PubMed 19387866 (cited by Labcorp Genetics (formerly Invitae), Labcorp); PubMed 23935525 (cited by Labcorp Genetics (formerly Invitae), Labcorp).

NM_000169.3(GLA):c.604T>C (p.Cys202Arg)

Genes: GLA (galactosidase alpha; minus strand), RPL36A-HNRNPH2 (RPL36A-HNRNPH2 readthrough; plus strand). Cytogenetic location: Xq22.1.
Variant type: single nucleotide variant.
Coding change: c.604T>C on transcript NM_000169.3 (MANE Select); coding-DNA position 604, T replaced by C.
Protein change: p.Cys202Arg; replaces cysteine 202 with arginine.
Molecular consequence: missense variant. On other transcripts: non-coding transcript variant (2), intron variant (2).
Genome position (GRCh38, 1-based): chrX:101,400,701, A>G on the plus strand (T>C on the coding strand, the complement: GLA is on the minus strand). VCF-style: chrX-101400701-A-G. GRCh37 (hg19) VCF-style: chrX-100655689-A-G.
Other names: c.727T>C, p.Cys243Arg (NM_001406747.1); c.604T>C, p.Cys202Arg (NM_001406748.1); c.300+5244A>G (NM_001199973.2); c.177+8879A>G (NM_001199974.2); short protein forms C202R, C243R.
Identifiers: ClinVar variation 633244 (VCV000633244.24), dbSNP rs1569303843, ClinGen allele CA413927367.